The following is an entry in ClinVar:

ClinVar aggregate classification (germline): Uncertain significance. Review status: criteria provided, multiple submitters, no conflicts (2 of 4 stars). 6 submissions from 5 submitters: Uncertain significance (6). Last evaluated 2025-10-23.

Conditions:
Familial cutaneous telangiectasia and oropharyngeal predisposition cancer syndrome. Identifiers: Orphanet 313846, MedGen C3281203, MONDO:0013806, OMIM 614564.
Seckel syndrome 1 (SCKL1). Also called: MICROCEPHALIC PRIMORDIAL DWARFISM I. Identifiers: Orphanet 808, MedGen C4551474, MONDO:0008869, OMIM 210600.
Inborn genetic diseases. Identifiers: MedGen C0950123, MeSH D030342.

Allele frequency attached by ClinVar (database versions not stated): gnomAD exomes 0.00001; TOPMed below 0.00001.
gnomAD v4.1: 15 of 1,613,548 alleles (0.00093%); highest among the groups gnomAD compares: Non-Finnish European, 0.0013%; no homozygotes.

Submissions (6):

Labcorp Genetics (formerly Invitae), Labcorp
Classification: Uncertain significance. Last evaluated: 2025-10-23. Review status: criteria provided, single submitter. Criteria: Invitae Variant Classification Sherloc (09022015). Collection method: clinical testing. Allele origin: germline.
Comment: This sequence change replaces isoleucine, which is neutral and non-polar, with valine, which is neutral and non-polar, at codon 1216 of the ATR protein (p.Ile1216Val). This variant is present in population databases (no rsID available, gnomAD 0.002%). This variant has not been reported in the literature in individuals affected with ATR-related conditions. ClinVar contains an entry for this variant (Variation ID: 899949). An algorithm developed to predict the effect of missense changes on protein structure and function (PolyPhen-2) suggests that this variant is likely to be disruptive. In summary, the available evidence is currently insufficient to determine the role of this variant in disease. Therefore, it has been classified as a Variant of Uncertain Significance.

Dasa
Classification: Uncertain significance. Last evaluated: 2025-04-14. Review status: criteria provided, single submitter. Criteria: DASA Assertion Criteria. Collection method: clinical testing. Allele origin: germline.
Comment: NM_001184.4(ATR):c.3646A>G (p.Ile1216Val) is a missense variant that results in the substitution of isoleucine with valine. This variant is rare in population databases. Computational prediction algorithms are consistent with a benign effect. The currently available literature and clinical evidence are not sufficient to establish a definitive association between this variant and the reported condition. Therefore, this variant is classified as a variant of uncertain significance.

Ambry Genetics
Classification: Uncertain significance for Inborn genetic diseases. Last evaluated: 2023-02-15. Review status: criteria provided, single submitter. Criteria: Ambry Variant Classification Scheme 2023. Collection method: clinical testing. Allele origin: germline.

Genome-Nilou Lab
Classification: Uncertain significance for Seckel syndrome 1. Last evaluated: 2023-02-08. Review status: criteria provided, single submitter. Criteria: ACMG Guidelines, 2015. Collection method: clinical testing. Allele origin: germline.

Genome-Nilou Lab
Classification: Uncertain significance for Familial cutaneous telangiectasia and oropharyngeal predisposition cancer syndrome. Last evaluated: 2023-02-08. Review status: criteria provided, single submitter. Criteria: ACMG Guidelines, 2015. Collection method: clinical testing. Allele origin: germline.

Illumina Laboratory Services, Illumina
Classification: Uncertain significance for Seckel syndrome 1. Last evaluated: 2018-01-12. Review status: criteria provided, single submitter. Criteria: ICSL Variant Classification Criteria 13 December 2019. Collection method: clinical testing. Allele origin: germline.

NM_001184.4(ATR):c.3646A>G (p.Ile1216Val)

Gene: ATR (ATR checkpoint kinase; minus strand). Cytogenetic location: 3q23.
Variant type: single nucleotide variant.
Coding change: c.3646A>G on transcript NM_001184.4 (MANE Select); coding-DNA position 3646, A replaced by G.
Protein change: p.Ile1216Val; replaces isoleucine 1216 with valine.
Molecular consequence: missense variant.
Genome position (GRCh38, 1-based): chr3:142,538,561, T>C on the plus strand (A>G on the coding strand, the complement: ATR is on the minus strand). VCF-style: chr3-142538561-T-C. GRCh37 (hg19) VCF-style: chr3-142257403-T-C.
Other names: c.3454A>G, p.Ile1152Val (NM_001354579.2); short protein forms I1152V, I1216V.
Identifiers: ClinVar variation 899949 (VCV000899949.16), dbSNP rs1300617940, ClinGen allele CA354807532.